The following is an entry in ClinVar:

ClinVar aggregate classification (germline): Likely pathogenic (0 of 4 stars; one submission).

Conditions:
CYP21A2-related disorder. Also called: CYP21A2-related condition.

Submission:

PreventionGenetics, part of Exact Sciences
Classification: Likely pathogenic for CYP21A2-related condition. Last evaluated: 2024-04-19. Review status: no assertion criteria provided. Collection method: clinical testing. Allele origin: germline.
Comment: The CYP21A2 c.341C>A variant is predicted to result in the amino acid substitution p.Ser114Tyr. Also known as S113Y in the literature, this variant has been reported with the well-known milder pathogenic variant c.844G>T (p.Val282Leu) (aka V281L) in an individual with autosomal recessive non-classic (NC) congenital adrenal hyperplasia (CAH) (Table S7 of New et al. 2013. PubMed ID: 23359698). Of note, a different substitution at the same codon (p.Ser114Phe) was also reported with the c.844G>T (p.Val282Leu) variant in an individual with NC-CAH; and the functional study showed that this variant significantly reduced the enzyme activity below 4% (reported as p.Ser113Phe in de Paula Michelatto et al. 2016. PubMed ID: 27721825). A structure–phenotype correlations of CYP21A2 variants study suggested that these two substitutions (p.Ser114Tyr and p.Ser114Phe) at codon 114 break the hydrogen bonds and result in steric clashes; and therefore they are likely milder alleles associated with NC-CAH (reported as S113Y and S113F in Haider et al. 2013. PubMed ID: 23359706). The c.341C>A (p.Ser114Tyr) variant has not been reported in a large population database, indicating this variant is rare. This variant falls within a highly paralogous region. Allele frequency data should be interpreted with caution. Taken together, this variant is interpreted as likely pathogenic.

NM_000500.9(CYP21A2):c.341C>A (p.Ser114Tyr)

Genes: CYP21A2 (cytochrome P450 family 21 subfamily A member 2; plus strand), LOC106780800 (CYP21A2 recombination region; plus strand). Cytogenetic location: 6p21.33.
Variant type: single nucleotide variant.
Coding change: c.341C>A on transcript NM_000500.9 (MANE Select); coding-DNA position 341, C replaced by A.
Protein change: p.Ser114Tyr; replaces serine 114 with tyrosine.
Molecular consequence: missense variant. On other transcripts: 5 prime UTR variant (2).
Genome position (GRCh38, 1-based): chr6:32,039,142, C>A. VCF-style: chr6-32039142-C-A. GRCh37 (hg19) VCF-style: chr6-32006919-C-A.
Other names: c.251C>A, p.Ser84Tyr (NM_001128590.4); c.-65C>A (NM_001368143.2, NM_001368144.2); short protein forms S114Y, S84Y.
Identifiers: ClinVar variation 3347624 (VCV003347624.1).